The following is an entry in ClinVar:

ClinVar aggregate classification (germline): Conflicting classifications of pathogenicity. Review status: criteria provided, conflicting classifications (1 of 4 stars). 2 submissions from 2 submitters: Uncertain significance (1); Likely benign (1). Last evaluated 2025-04-09.

Conditions:
Cardiovascular phenotype. Identifiers: MedGen CN230736.

Allele frequency attached by ClinVar (database versions not stated): ExAC 0.00001; gnomAD 0.00001; gnomAD exomes 0.00001; TOPMed 0.00002.
gnomAD v4.1: 10 of 1,613,002 alleles (0.00062%); highest among the groups gnomAD compares: Non-Finnish European, 0.00051%; no homozygotes.

Submissions (2):

Molecular Diagnostic Laboratory for Inherited Cardiovascular Disease, Montreal Heart Institute
Classification: Likely benign. Last evaluated: 2025-04-09. Review status: criteria provided, single submitter. Criteria: ACMG Guidelines, 2015. Collection method: clinical testing. Allele origin: germline. Affected: no.

Ambry Genetics
Classification: Uncertain significance for Cardiovascular phenotype. Last evaluated: 2019-10-10. Review status: criteria provided, single submitter. Criteria: Ambry Variant Classification Scheme 2023. Collection method: clinical testing. Allele origin: germline.
Comment: The p.P10243L variant (also known as c.30728C>T), located in coding exon 123 of the TTN gene, results from a C to T substitution at nucleotide position 30728. The proline at codon 10243 is replaced by leucine, an amino acid with similar properties. This amino acid position is highly conserved in available vertebrate species. In addition, the in silico prediction for this alteration is inconclusive. Since supporting evidence is limited at this time, the clinical significance of this alteration remains unclear.

NM_001267550.2(TTN):c.57923C>T (p.Pro19308Leu)

Genes: TTN (titin; minus strand), TTN-AS1 (TTN antisense RNA 1; plus strand). Cytogenetic location: 2q31.2.
Variant type: single nucleotide variant.
Coding change: c.57923C>T on transcript NM_001267550.2 (MANE Select); coding-DNA position 57923, C replaced by T.
Protein change: p.Pro19308Leu; replaces proline 19308 with leucine.
Molecular consequence: missense variant.
Genome position (GRCh38, 1-based): chr2:178,594,571, G>A on the plus strand (C>T on the coding strand, the complement: TTN is on the minus strand). VCF-style: chr2-178594571-G-A. GRCh37 (hg19) VCF-style: chr2-179459298-G-A.
Other names: c.50219C>T, p.Pro16740Leu (NM_133378.4); c.31103C>T, p.Pro10368Leu (NM_133432.3); c.31304C>T, p.Pro10435Leu (NM_133437.4); c.53000C>T, p.Pro17667Leu (NM_001256850.1); c.30728C>T, p.Pro10243Leu (NM_003319.4); short protein forms P10243L, P10368L, P16740L, P17667L, P10435L, P19308L.
Identifiers: ClinVar variation 1727268 (VCV001727268.3), dbSNP rs745457069, ClinGen allele CA1992962.